The following is an entry in ClinVar:

ClinVar aggregate classification (germline): Uncertain significance (1 of 4 stars; one submission).

Conditions:
Familial hypobetalipoproteinemia 1. Also called: Hypobetalipoproteinemia, normotriglyceridemic; Acanthocytosis with hypobetalipoproteinemia; APOB-Related Familial Hypobetalipoproteinemia. Identifiers: MedGen C4551990, MONDO:0014252, OMIM 615558.
Hypercholesterolemia, autosomal dominant, type B (FHCL2). Also called: Familial hypercholesterolemia 2; APOB-Related Familial Hypercholesterolemia, Autosomal Dominant; Familial Hypercholesterolemia Type B; APOLIPOPROTEIN B-100, FAMILIAL DEFECTIVE; APOLIPOPROTEIN B-100, FAMILIAL LIGAND-DEFECTIVE; HYPERCHOLESTEROLEMIA, FAMILIAL, DUE TO LIGAND-DEFECTIVE APOLIPOPROTEIN B. Identifiers: MedGen C1704417, MONDO:0007751, OMIM 144010.

gnomAD v4.1: 1 of 1,614,172 alleles (0.000062%); highest among the groups gnomAD compares: African/African-American, 0.0013%; no homozygotes.

Submission:

Labcorp Genetics (formerly Invitae), Labcorp
Classification: Uncertain significance for Familial hypobetalipoproteinemia 1; Hypercholesterolemia, autosomal dominant, type B. Last evaluated: 2020-09-24. Review status: criteria provided, single submitter. Criteria: Invitae Variant Classification Sherloc (09022015). Collection method: clinical testing. Allele origin: germline.
Comment: In summary, the available evidence is currently insufficient to determine the role of this variant in disease. Therefore, it has been classified as a Variant of Uncertain Significance. Algorithms developed to predict the effect of sequence changes on RNA splicing suggest that this variant may create or strengthen a splice site, but this prediction has not been confirmed by published transcriptional studies. Algorithms developed to predict the effect of missense changes on protein structure and function are either unavailable or do not agree on the potential impact of this missense change (SIFT: "Tolerated"; PolyPhen-2: "Possibly Damaging"; Align-GVGD: "Class C0"). This variant has not been reported in the literature in individuals with APOB-related conditions. This variant is not present in population databases (ExAC no frequency). This sequence change replaces threonine with serine at codon 1288 of the APOB protein (p.Thr1288Ser). The threonine residue is moderately conserved and there is a small physicochemical difference between threonine and serine.

NM_000384.3(APOB):c.3863C>G (p.Thr1288Ser)

Gene: APOB (apolipoprotein B; minus strand). Cytogenetic location: 2p24.1.
Variant type: single nucleotide variant.
Coding change: c.3863C>G on transcript NM_000384.3 (MANE Select); coding-DNA position 3863, C replaced by G.
Protein change: p.Thr1288Ser; replaces threonine 1288 with serine.
Molecular consequence: missense variant.
Genome position (GRCh38, 1-based): chr2:21,013,513, G>C on the plus strand (C>G on the coding strand, the complement: APOB is on the minus strand). VCF-style: chr2-21013513-G-C. GRCh37 (hg19) VCF-style: chr2-21236385-G-C.
Other names: short protein forms T1288S.
Identifiers: ClinVar variation 1035116 (VCV001035116.11), dbSNP rs745401772, ClinGen allele CA346008117.
Genomic context (GRCh38, chr2:21,013,513, plus strand): 5'-CTGGAGGATTTGCCACCAAAAGGCAAAGGAATCTCAATTTTCAAACTGTTCTTGTTCAAG[G>C]TATATTTGACCCGGCCATCGCTGAAATGAACAACAAAGATAACATCCCCACAGTCAGACA-3'
Protein context (NP_000375.3, residues 1278-1298): FLKSDGRVKY[Thr1288Ser]LNKNSLKIEI